The following is an entry in ClinVar:

NM_000052.7(ATP7A):c.3853A>T (p.Lys1285Ter)

Gene: ATP7A (ATPase copper transporting alpha; plus strand). Cytogenetic location: Xq21.1.
Variant type: single nucleotide variant.
Coding change: c.3853A>T on transcript NM_000052.7 (MANE Select); coding-DNA position 3853, A replaced by T.
Protein change: p.Lys1285Ter; replaces lysine 1285 with a stop codon.
Molecular consequence: nonsense. On other transcripts: non-coding transcript variant (1).
Genome position (GRCh38, 1-based): chrX:78,042,636, A>T. VCF-style: chrX-78042636-A-T. GRCh37 (hg19) VCF-style: chrX-77298134-A-T.
Other names: c.3619A>T, p.Lys1207Ter (NM_001282224.2); short protein forms K1207*, K1285*.
Identifiers: ClinVar variation 1726628 (VCV001726628.3), dbSNP rs2522418950, ClinGen allele CA413605118.

ClinVar aggregate classification (germline): Likely pathogenic (1 of 4 stars; one submission).

Conditions:
Menkes kinky-hair syndrome (MNK). Also called: Copper transport disease; Classic Menkes Disease; Menkes Disease. Identifiers: Orphanet 565, MedGen C0022716, MONDO:0010651, OMIM 309400.

Submission:

Myriad Genetics, Inc.
Classification: Likely pathogenic for Menkes kinky-hair syndrome. Last evaluated: 2021-12-29. Review status: criteria provided, single submitter. Criteria: Myriad Autosomal Dominant, Autosomal Recessive and X-Linked Classification Criteria (2023). Collection method: clinical testing. Allele origin: unknown.
Comment: NM_000052.5(ATP7A):c.3853A>T(K1285*) is expected to be pathogenic in the context of ATP7A-related disorders. This variant is predicted to lead to an abnormal or absent protein product due to the creation of a premature termination codon in ATP7A, a gene where loss-of-function variants are known to be pathogenic. Please note: this variant was assessed in the context of healthy population screening.